The following is an entry in ClinVar:

ClinVar aggregate classification (germline): Uncertain significance (1 of 4 stars; one submission).

Conditions:
Inborn genetic diseases. Identifiers: MedGen C0950123, MeSH D030342.

Submission:

Ambry Genetics
Classification: Uncertain significance for Inborn genetic diseases. Last evaluated: 2025-06-25. Review status: criteria provided, single submitter. Criteria: Ambry Variant Classification Scheme 2023. Collection method: clinical testing. Allele origin: germline.
Comment: The p.C1183Y variant (also known as c.3548G>A), located in coding exon 36 of the FANCA gene, results from a G to A substitution at nucleotide position 3548. The cysteine at codon 1183 is replaced by tyrosine, an amino acid with highly dissimilar properties. This amino acid position is conserved. In addition, this alteration is predicted to be tolerated by in silico analysis. Based on the available evidence, the clinical significance of this variant remains unclear.

NM_000135.4(FANCA):c.3548G>A (p.Cys1183Tyr)

Gene: FANCA (FA complementation group A; minus strand). Cytogenetic location: 16q24.3.
Variant type: single nucleotide variant.
Coding change: c.3548G>A on transcript NM_000135.4 (MANE Select); coding-DNA position 3548, G replaced by A.
Protein change: p.Cys1183Tyr; replaces cysteine 1183 with tyrosine.
Molecular consequence: missense variant.
Genome position (GRCh38, 1-based): chr16:89,745,037, C>T on the plus strand (G>A on the coding strand, the complement: FANCA is on the minus strand). VCF-style: chr16-89745037-C-T. GRCh37 (hg19) VCF-style: chr16-89811445-C-T.
Other names: c.3548G>A, p.Cys1183Tyr (NM_001286167.3); short protein forms C1183Y.
Identifiers: ClinVar variation 4254152 (VCV004254152.1).
Genomic context (GRCh38, chr16:89,745,037, plus strand): 5'-CCTTCTTGTAGCTTCTGCAGTTCCCGGGGCAGCGGGCTCTGGCAGTGTCTCCTCCACCGG[C>T]AGAGCAGCACAGGCTCCAGGCTCGGCCACCACACCTATGGAGAGAGCACCAGCACACAGA-3'
Protein context (NP_000126.2, residues 1173-1193): WWPSLEPVLL[Cys1183Tyr]RWRRHCQSPL